The following is an entry in ClinVar:

ClinVar aggregate classification (germline): Pathogenic (1 of 4 stars; one submission).

Submission:

GeneDx
Classification: Pathogenic. Last evaluated: 2015-06-02. Review status: criteria provided, single submitter. Criteria: GeneDx Variant Classification (06012015). Collection method: clinical testing. Allele origin: germline. Affected: yes.
Comment: The c.69_70dupGA duplication has been reported previously in association with Carneycomplex (Bertherat et al., 2009). The c.69_70dupGA duplication in the PRKAR1A gene causes a frameshift starting with codon Lysine 24, changes this amino acid to an Arginine residue and creates a premature Stop codon at position 106 of the new reading frame, denoted p.Lys24ArgfsX106. This variant is predicted to cause loss of normal protein function either through protein truncation or nonsense-mediated mRNA decay. Therefore, we interpret this variant as pathogenic.

NM_002734.5(PRKAR1A):c.69_70dup (p.Lys24fs)

Gene: PRKAR1A (protein kinase cAMP-dependent type I regulatory subunit alpha; plus strand). Cytogenetic location: 17q24.2.
Variant type: Duplication.
Coding change: c.69_70dup on transcript NM_002734.5 (MANE Select); coding-DNA positions 69 to 70, 2 bases duplicated (GA; older notation c.69_70dupGA).
Protein change: p.Lys24fs; shifts the reading frame from lysine 24.
Molecular consequence: frameshift variant.
Genome position (GRCh38, 1-based): chr17:68,515,468-68,515,469, GA duplicated; duplicating any 2 consecutive bases within chr17:68,515,467-68,515,469 gives the same sequence; the c. name uses the placement nearest the transcript's 3' end. VCF-style (leftmost placement, unchanged base first): chr17-68515466-C-CAG. GRCh37 (hg19) VCF-style: chr17-66511607-C-CAG.
Other names: c.69_70dup, p.Lys24fs (NM_001276289.2, NM_001276290.1, NM_001278433.2 and 4 more transcripts); short protein forms K24fs.
Identifiers: ClinVar variation 419193 (VCV000419193.2), dbSNP rs1064793709, ClinGen allele CA16620589.
Genomic context (GRCh38, chr17:68,515,466, plus strand): 5'-TCTGGCAGTACCGCCGCCAGTGAGGAGGCACGCAGCCTTCGAGAATGTGAGCTCTACGTC[C>CAG]AGAAGCATAACATTCAAGCGCTGCTCAAAGATTCTATTGTGCAGTTGTGCACTGCTCGAC-3'